The following is an entry in ClinVar:

ClinVar aggregate classification (germline): Uncertain significance (1 of 4 stars; one submission).

Conditions:
Long QT syndrome 1 (LQT1). Identifiers: Orphanet 101016, Orphanet 768, MedGen C4551647, MONDO:0100316, OMIM 192500, MONDO:0008646.

gnomAD v4.1: 1 of 1,541,014 alleles (0.000065%); highest among the groups gnomAD compares: East Asian, 0.0023%; no homozygotes.

Submission:

Labcorp Genetics (formerly Invitae), Labcorp
Classification: Uncertain significance for Long QT syndrome 1. Last evaluated: 2024-05-02. Review status: criteria provided, single submitter. Criteria: Invitae Variant Classification Sherloc (09022015). Collection method: clinical testing. Allele origin: germline.
Comment: This sequence change falls in intron 4 of the CALM3 gene. It does not directly change the encoded amino acid sequence of the CALM3 protein. The frequency data for this variant in the population databases is considered unreliable, as metrics indicate poor data quality at this position in the gnomAD database. This variant has not been reported in the literature in individuals affected with CALM3-related conditions. Algorithms developed to predict the effect of sequence changes on RNA splicing suggest that this variant may disrupt the consensus splice site. In summary, the available evidence is currently insufficient to determine the role of this variant in disease. Therefore, it has been classified as a Variant of Uncertain Significance.

NM_005184.4(CALM3):c.286-16T>C

Gene: CALM3 (calmodulin 3; plus strand). Cytogenetic location: 19q13.32.
Variant type: single nucleotide variant.
Coding change: c.286-16T>C on transcript NM_005184.4 (MANE Select); 16 bases into the intron before coding-DNA position 286, T replaced by C.
Molecular consequence: intron variant.
Genome position (GRCh38, 1-based): chr19:46,608,830, T>C. VCF-style: chr19-46608830-T-C. GRCh37 (hg19) VCF-style: chr19-47112087-T-C.
Other names: c.178-16T>C (NM_001329926.2, NM_001329925.2, NM_001329923.1 and 2 more transcripts); c.286-16T>C (NM_001329922.1).
Identifiers: ClinVar variation 3671046 (VCV003671046.2).